The following is an entry in ClinVar:

ClinVar aggregate classification (germline): Conflicting classifications of pathogenicity. Review status: criteria provided, conflicting classifications (1 of 4 stars). 3 submissions from 3 submitters: Uncertain significance (1); Likely benign (1). 1 of the submissions does not count toward it. Last evaluated 2025-08-17.

Conditions:
RFWD3-related disorder. Also called: RFWD3-related condition.

Allele frequency attached by ClinVar (database versions not stated): gnomAD 0.00009; TOPMed 0.00009; ExAC 0.00016; 1000 Genomes Project 30x 0.00031; 1000 Genomes Project 0.00040.
gnomAD v4.1: 77 of 1,614,098 alleles (0.0048%); highest among the groups gnomAD compares: East Asian, 0.15%; no homozygotes.

Submissions (3):

Labcorp Genetics (formerly Invitae), Labcorp
Classification: Likely benign. Last evaluated: 2025-08-17. Review status: criteria provided, single submitter. Criteria: Invitae Variant Classification Sherloc (09022015). Collection method: clinical testing. Allele origin: germline.

Genetic Services Laboratory, University of Chicago
Classification: Uncertain significance. Last evaluated: 2023-01-23. Review status: criteria provided, single submitter. Criteria: ACMG Guidelines, 2015. Collection method: clinical testing. Allele origin: germline. Affected: no.
Comment: DNA sequence analysis of the RFWD3 gene demonstrated a sequence change, c.835A>G, in exon 5 that results in an amino acid change, p.Met279Val. This sequence change does not appear to have been previously described in individuals with RFWD3-related disorders. This sequence change has been described in the gnomAD database with a frequency of 0.3% in the East Asian subpopulation (dbSNP rs549212476). The p.Met279Val change affects a poorly conserved amino acid residue located in a domain of the RFWD3 protein that is not known to be functional. The p.Met279Val substitution appears to be benign using several in-silico pathogenicity prediction tools (SIFT, PolyPhen2, Align GVGD, REVEL). Due to insufficient evidences and the lack of functional studies, the clinical significance of the p.Met279Val change remains unknown at this time.

PreventionGenetics, part of Exact Sciences
Classification: Likely benign for RFWD3-related condition. Last evaluated: 2023-05-03. Review status: no assertion criteria provided. Collection method: clinical testing. Allele origin: germline. Not counted in ClinVar's aggregate classification.
Comment: This variant is classified as likely benign based on ACMG/AMP sequence variant interpretation guidelines (Richards et al. 2015 PMID: 25741868, with internal and published modifications).

NM_018124.4(RFWD3):c.835A>G (p.Met279Val)

Gene: RFWD3 (ring finger and WD repeat domain 3; minus strand). Cytogenetic location: 16q23.1.
Variant type: single nucleotide variant.
Coding change: c.835A>G on transcript NM_018124.4 (MANE Select); coding-DNA position 835, A replaced by G.
Protein change: p.Met279Val; replaces methionine 279 with valine.
Molecular consequence: missense variant. On other transcripts: initiator codon variant (5).
Genome position (GRCh38, 1-based): chr16:74,644,693, T>C on the plus strand (A>G on the coding strand, the complement: RFWD3 is on the minus strand). VCF-style: chr16-74644693-T-C. GRCh37 (hg19) VCF-style: chr16-74678591-T-C.
Other names: c.835A>G (NM_018124.3); c.835A>G, p.Met279Val (NM_001370534.1, NM_001370535.1, NM_001370536.1); c.1A>G, p.Met1Val (NM_001370537.1, NM_001370539.1, NM_001370540.1 and 3 more transcripts); short protein forms M1V, M279V.
Identifiers: ClinVar variation 2164975 (VCV002164975.9), dbSNP rs549212476, ClinGen allele CA8169407.